The following is an entry in ClinVar:

NM_000551.4(VHL):c.537C>T (p.Asp179=)

Genes: VHL (von Hippel-Lindau tumor suppressor; plus strand), LOC107303340 (3p25 von Hippel-Lindau tumor suppressor, E3 ubiquitin protein ligase Alu-mediated recombination region; plus strand). Cytogenetic location: 3p25.3.
Variant type: single nucleotide variant.
Coding change: c.537C>T on transcript NM_000551.4 (MANE Select); coding-DNA position 537, C replaced by T.
Protein change: p.Asp179=; no amino-acid change (aspartic acid 179 retained).
Molecular consequence: synonymous variant. On other transcripts: 3 prime UTR variant (1), non-coding transcript variant (1).
Genome position (GRCh38, 1-based): chr3:10,149,860, C>T. VCF-style: chr3-10149860-C-T. GRCh37 (hg19) VCF-style: chr3-10191544-C-T.
Other names: c.*91C>T (NM_001354723.2); c.414C>T, p.Asp138= (NM_198156.3).
Identifiers: ClinVar variation 2954265 (VCV002954265.4), dbSNP rs2125130635, ClinGen allele CA432423518.
Genomic context (GRCh38, chr3:10,149,860, plus strand): 5'-AGAGCGATGCCTCCAGGTTGTCCGGAGCCTAGTCAAGCCTGAGAATTACAGGAGACTGGA[C>T]ATCGTCAGGTCGCTCTACGAAGATCTGGAAGACCACCCAAATGTGCAGAAAGACCTGGAG-3'
Protein context (NP_000542.1, residues 169-189): LVKPENYRRL[Asp179=]IVRSLYEDLE

ClinVar aggregate classification (germline): Benign/Likely benign. Review status: criteria provided, multiple submitters, no conflicts (2 of 4 stars). 2 submissions from 2 submitters: Benign (1); Likely benign (1). Last evaluated 2025-06-13.

Conditions:
Von Hippel-Lindau syndrome (VHLS). Also called: VHL syndrome; Von Hippel-Lindau; von Hippel–Lindau syndrome. Identifiers: Orphanet 892, MedGen C0019562, MONDO:0008667, OMIM 193300. Disease mechanism: loss of function.
Chuvash polycythemia. Also called: POLYCYTHEMIA, VHL-DEPENDENT. Identifiers: Orphanet 238557, MedGen C1837915, MONDO:0009892, OMIM 263400.

Submissions (2):

Myriad Genetics, Inc.
Classification: Benign for Von Hippel-Lindau syndrome. Last evaluated: 2025-06-13. Review status: criteria provided, single submitter. Criteria: Myriad Autosomal Dominant, Autosomal Recessive and X-Linked Classification Criteria (2023). Collection method: clinical testing. Allele origin: unknown.
Comment: This variant is considered benign. This variant is a silent/synonymous amino acid change and it is not expected to impact splicing.

Labcorp Genetics (formerly Invitae), Labcorp
Classification: Likely benign for Von Hippel-Lindau syndrome; Chuvash polycythemia. Last evaluated: 2023-11-28. Review status: criteria provided, single submitter. Criteria: Invitae Variant Classification Sherloc (09022015). Collection method: clinical testing. Allele origin: germline.